The following is an entry in ClinVar:

NM_001378615.1(CC2D2A):c.1536T>C (p.Val512=)

Genes: CC2D2A (coiled-coil and C2 domain containing 2A; plus strand), FBXL5 (F-box and leucine rich repeat protein 5; minus strand). Cytogenetic location: 4p15.32.
Variant type: single nucleotide variant.
Coding change: c.1536T>C on transcript NM_001378615.1 (MANE Select); coding-DNA position 1536, T replaced by C.
Protein change: p.Val512=; no amino-acid change (valine 512 retained).
Molecular consequence: synonymous variant.
Genome position (GRCh38, 1-based): chr4:15,533,262, T>C. VCF-style: chr4-15533262-T-C. GRCh37 (hg19) VCF-style: chr4-15534885-T-C.
Other names: c.1536T>C, p.Val512= (NM_001080522.2); c.1389T>C, p.Val463= (NM_001378617.1).
Identifiers: ClinVar variation 1595060 (VCV001595060.9), dbSNP rs1182295220, ClinGen allele CA438383542.

ClinVar aggregate classification (germline): Likely benign. Review status: criteria provided, multiple submitters, no conflicts (2 of 4 stars). 2 submissions from 2 submitters: Likely benign (2). Last evaluated 2026-08-28.

Conditions:
CC2D2A-related disorder. Also called: CC2D2A-related disorders; CC2D2A-related condition. Identifiers: MedGen CN239313.
Joubert syndrome. Also called: JOUBERT-BOLTSHAUSER SYNDROME; Familial aplasia of the vermis. Identifiers: Orphanet 475, MedGen C5979921, MONDO:0018772.
Meckel-Gruber syndrome. Also called: DYSENCEPHALIA SPLANCHNOCYSTICA; GRUBER SYNDROME; Dysencephalia splachnocystica. Identifiers: Orphanet 564, MedGen C0265215, MONDO:0018921.

Allele frequency attached by ClinVar (database versions not stated): gnomAD 0.00001; gnomAD exomes 0.00001; TOPMed 0.00002.
gnomAD v4.1: 14 of 1,602,002 alleles (0.00087%); highest among the groups gnomAD compares: South Asian, 0.0011%; no homozygotes.

Submissions (2):

PreventionGenetics, part of Exact Sciences
Classification: Likely benign for CC2D2A-related condition. Last evaluated: 2026-08-28. Review status: criteria provided, single submitter. Criteria: ACMG Guidelines, 2015. Collection method: clinical testing. Allele origin: germline.
Comment: This variant is classified as likely benign based on ACMG/AMP sequence variant interpretation guidelines (Richards et al. 2015 PMID: 25741868, with internal and published modifications).

Labcorp Genetics (formerly Invitae), Labcorp
Classification: Likely benign for Joubert syndrome; Meckel-Gruber syndrome. Last evaluated: 2024-02-14. Review status: criteria provided, single submitter. Criteria: Invitae Variant Classification Sherloc (09022015). Collection method: clinical testing. Allele origin: germline.